The following is an entry in ClinVar:

ClinVar aggregate classification (germline): Uncertain significance (1 of 4 stars; one submission).

Conditions:
Ullrich congenital muscular dystrophy 2 (UCMD2). Identifiers: Orphanet 75840, MedGen C4225314, MONDO:0014654, OMIM 616470.
Bethlem myopathy 2 (BTHLM2). Identifiers: Orphanet 536516, Orphanet 610, MedGen C4225313, MONDO:0034022, OMIM 616471.

Submission:

Labcorp Genetics (formerly Invitae), Labcorp
Classification: Uncertain significance for Bethlem myopathy 2; Ullrich congenital muscular dystrophy 2. Last evaluated: 2024-08-28. Review status: criteria provided, single submitter. Criteria: Invitae Variant Classification Sherloc (09022015). Collection method: clinical testing. Allele origin: germline.
Comment: This sequence change replaces glycine, which is neutral and non-polar, with serine, which is neutral and polar, at codon 520 of the COL12A1 protein (p.Gly520Ser). This variant is not present in population databases (gnomAD no frequency). This variant has not been reported in the literature in individuals affected with COL12A1-related conditions. Invitae Evidence Modeling of protein sequence and biophysical properties (such as structural, functional, and spatial information, amino acid conservation, physicochemical variation, residue mobility, and thermodynamic stability) has been performed for this missense variant. However, the output from this modeling did not meet the statistical confidence thresholds required to predict the impact of this variant on COL12A1 protein function. In summary, the available evidence is currently insufficient to determine the role of this variant in disease. Therefore, it has been classified as a Variant of Uncertain Significance.

NM_004370.6(COL12A1):c.1558G>A (p.Gly520Ser)

Gene: COL12A1 (collagen type XII alpha 1 chain; minus strand). Cytogenetic location: 6q13.
Variant type: single nucleotide variant.
Coding change: c.1558G>A on transcript NM_004370.6 (MANE Select); coding-DNA position 1558, G replaced by A.
Protein change: p.Gly520Ser; replaces glycine 520 with serine.
Molecular consequence: missense variant. On other transcripts: intron variant (2).
Genome position (GRCh38, 1-based): chr6:75,183,383, C>T on the plus strand (G>A on the coding strand, the complement: COL12A1 is on the minus strand). VCF-style: chr6-75183383-C-T. GRCh37 (hg19) VCF-style: chr6-75893099-C-T.
Other names: c.1558G>A, p.Gly520Ser (NM_001424113.1, NM_001424114.1, NM_001424115.1); c.73+19337G>A (NM_001424116.1, NM_080645.3); short protein forms G520S.
Identifiers: ClinVar variation 3752725 (VCV003752725.2).
Genomic context (GRCh38, chr6:75,183,383, plus strand): 5'-TGCTTCTTGATCCCTTGCTAGGCACAAATATTTTCTCTCTGACATAAGTCATTGCTTTGC[C>T]AGTATTTGTAGATCCTCCTCTGTAAGGGAAGGTGTTTATTGCTTCAATTATATCTTCAAC-3'
Protein context (NP_004361.3, residues 510-530): FPYRGGSTNT[Gly520Ser]KAMTYVREKI